The following is an entry in ClinVar:

ClinVar aggregate classification (germline): Likely benign (1 of 4 stars; one submission).

Conditions:
Vitamin K-dependent clotting factors, combined deficiency of, type 1. Also called: FACTORS II, VII, IX, AND X, COMBINED DEFICIENCY OF; FAMILIAL MULTIPLE COAGULATION FACTOR DEFICIENCY III; FMFD III; GLUTAMIC ACID, DEFICIENT GAMMA-CARBOXYLATION OF; MULTIPLE COAGULATION FACTOR DEFICIENCY III; VITAMIN K-DEPENDENT COAGULATION DEFECT. Identifiers: Orphanet 98434, MedGen C1848534, MONDO:0010187, OMIM 277450.

Allele frequency attached by ClinVar (database versions not stated): gnomAD 0.00006 and 0.00011; TOPMed 0.00013; 1000 Genomes Project 30x 0.00047; 1000 Genomes Project 0.00060.
gnomAD v4.1: 16 of 152,434 alleles (0.01%); highest among the groups gnomAD compares: East Asian, 0.31%; no homozygotes.

Submission:

Illumina Laboratory Services, Illumina
Classification: Likely benign for Vitamin K-dependent clotting factors, combined deficiency of, type 1. Last evaluated: 2018-01-13. Review status: criteria provided, single submitter. Criteria: ICSL Variant Classification Criteria 13 December 2019. Collection method: clinical testing. Allele origin: germline.
Comment: This variant was observed in the ICSL laboratory as part of a predisposition screen in an ostensibly healthy population. It had not been previously curated by ICSL or reported in the Human Gene Mutation Database (HGMD: prior to June 1st, 2018), and was therefore a candidate for classification through an automated scoring system. Utilizing variant allele frequency, disease prevalence and penetrance estimates, and inheritance mode, an automated score was calculated to assess if this variant is too frequent to cause the disease. Based on the score and internal cut-off values, a variant classified as likely benign is not then subjected to further curation. The score for this variant resulted in a classification of likely benign for this disease.

NM_000821.7(GGCX):c.*2811T>C

Gene: GGCX (gamma-glutamyl carboxylase; minus strand). Cytogenetic location: 2p11.2.
Variant type: single nucleotide variant.
Coding change: c.*2811T>C on transcript NM_000821.7 (MANE Select); 2811 bases downstream of the stop codon, T replaced by C.
Molecular consequence: 3 prime UTR variant.
Genome position (GRCh38, 1-based): chr2:85,547,123, A>G on the plus strand (T>C on the coding strand, the complement: GGCX is on the minus strand). VCF-style: chr2-85547123-A-G. GRCh37 (hg19) VCF-style: chr2-85774246-A-G.
Other names: c.*2811T>C (NM_001142269.4).
Identifiers: ClinVar variation 899040 (VCV000899040.4), dbSNP rs118153916, ClinGen allele CA51730243.
Genomic context (GRCh38, chr2:85,547,123, plus strand): 5'-AAAAGTATCCTGAAGGTTAATAAGGTGGTGGAGGAACATTAGGCCACAGGGAGCAGAGGG[A>G]AAGCATAACAGCAGGGGATGATAAGGGTGATTATAGTTTAGAAAGCATGAAAGTATGACT-3'